The following is an entry in ClinVar:

ClinVar aggregate classification (germline): Uncertain significance (1 of 4 stars; one submission).

Conditions:
Hereditary cancer-predisposing syndrome. Also called: Neoplastic Syndromes, Hereditary; Tumor predisposition; Hereditary Cancer Syndrome; Hereditary neoplastic syndrome. Identifiers: Orphanet 140162, MedGen C0027672, MeSH D009386, MONDO:0015356.

Submission:

Ambry Genetics
Classification: Uncertain significance for Hereditary cancer-predisposing syndrome. Last evaluated: 2019-10-31. Review status: criteria provided, single submitter. Criteria: Ambry Variant Classification Scheme 2023. Collection method: clinical testing. Allele origin: germline.
Comment: The p.T65K variant (also known as c.194C>A), located in coding exon 1 of the CHEK2 gene, results from a C to A substitution at nucleotide position 194. The threonine at codon 65 is replaced by lysine, an amino acid with similar properties. This amino acid position is highly conserved in available vertebrate species. In addition, this alteration is predicted to be deleterious by in silico analysis. Since supporting evidence is limited at this time, the clinical significance of this alteration remains unclear.

NM_007194.4(CHEK2):c.194C>A (p.Thr65Lys)

Gene: CHEK2 (checkpoint kinase 2; minus strand). Cytogenetic location: 22q12.1.
Variant type: single nucleotide variant.
Coding change: c.194C>A on transcript NM_007194.4 (MANE Select); coding-DNA position 194, C replaced by A.
Protein change: p.Thr65Lys; replaces threonine 65 with lysine.
Molecular consequence: missense variant.
Genome position (GRCh38, 1-based): chr22:28,734,528, G>T on the plus strand (C>A on the coding strand, the complement: CHEK2 is on the minus strand). VCF-style: chr22-28734528-G-T. GRCh37 (hg19) VCF-style: chr22-29130516-G-T.
Other names: c.194C>A, p.Thr65Lys (NM_001005735.3, NM_001349956.3, NM_145862.3); c.-584C>A (NM_001257387.3); short protein forms T65K.
Identifiers: ClinVar variation 820350 (VCV000820350.4), dbSNP rs864622684, ClinGen allele CA411090821.